The following is an entry in ClinVar:

NM_004963.4(GUCY2C):c.1788_1790dup (p.Ile597_Ala598insIle)

Gene: GUCY2C (guanylate cyclase 2C; minus strand). Cytogenetic location: 12p12.3.
Variant type: Duplication.
Coding change: c.1788_1790dup on transcript NM_004963.4 (MANE Select); coding-DNA positions 1788 to 1790, 3 bases duplicated (CAT; older notation c.1788_1790dupCAT).
Protein change: p.Ile597_Ala598insIle.
Molecular consequence: inframe insertion.
Genome position (GRCh38, 1-based): chr12:14,645,236-14,645,238, ATG duplicated on the plus strand (CAT on the coding strand, the reverse complement: GUCY2C is on the minus strand). VCF-style (leftmost placement, unchanged base first): chr12-14645235-A-AATG. GRCh37 (hg19) VCF-style: chr12-14798169-A-AATG.
Identifiers: ClinVar variation 4086159 (VCV004086159.1).

ClinVar aggregate classification (germline): Uncertain significance (1 of 4 stars; one submission).

Conditions:
Intestinal obstruction in the newborn due to guanylate cyclase 2C deficiency. Identifiers: Orphanet 314376, MedGen C4518781, MONDO:0013843, OMIM 614665.

Submission:

Neuberg Centre For Genomic Medicine, NCGM
Classification: Uncertain significance for Intestinal obstruction in the newborn due to guanylate cyclase 2C deficiency. Review status: criteria provided, single submitter. Criteria: ACMG Guidelines, 2015. Collection method: clinical testing. Allele origin: germline. Inheritance: Autosomal recessive inheritance. Affected: yes.
Comment: This variant has not been reported previously in literature. For these reasons, this variant has been classified as Uncertain Significance.